The following is an entry in ClinVar:

NM_032217.5(ANKRD17):c.3505T>G (p.Leu1169Val)

Gene: ANKRD17 (ankyrin repeat domain 17; minus strand). Cytogenetic location: 4q13.3.
Variant type: single nucleotide variant.
Coding change: c.3505T>G on transcript NM_032217.5 (MANE Select); coding-DNA position 3505, T replaced by G.
Protein change: p.Leu1169Val; replaces leucine 1169 with valine.
Molecular consequence: missense variant.
Genome position (GRCh38, 1-based): chr4:73,121,747, A>C on the plus strand (T>G on the coding strand, the complement: ANKRD17 is on the minus strand). VCF-style: chr4-73121747-A-C. GRCh37 (hg19) VCF-style: chr4-73987464-A-C.
Other names: c.3166T>G, p.Leu1056Val (NM_001286771.3); c.3502T>G, p.Leu1168Val (NM_015574.2); c.2752T>G, p.Leu918Val (NM_198889.3); short protein forms L1056V, L918V, L1168V, L1169V.
Identifiers: ClinVar variation 4578531 (VCV004578531.1).

ClinVar aggregate classification (germline): Uncertain significance (1 of 4 stars; one submission).

Conditions:
Inborn genetic diseases. Identifiers: MedGen C0950123, MeSH D030342.

gnomAD v4.1: 1 of 1,600,800 alleles (0.000062%); highest among the groups gnomAD compares: African/African-American, 0.0013%; no homozygotes.

Submission:

Ambry Genetics
Classification: Uncertain significance for Inborn genetic diseases. Last evaluated: 2025-11-21. Review status: criteria provided, single submitter. Criteria: Ambry Variant Classification Scheme 2023. Collection method: clinical testing. Allele origin: germline.
Comment: The c.3505T>G (p.L1169V) alteration is located in exon 19 (coding exon 19) of the ANKRD17 gene. This alteration results from a T to G substitution at nucleotide position 3505, causing the leucine (L) at amino acid position 1169 to be replaced by a valine (V). This variant was not reported in population-based cohorts in the Genome Aggregation Database (gnomAD). This amino acid position is highly conserved in available vertebrate species. This missense alteration is located in a region that has a low rate of benign missense variation (Lek, 2016; Firth, 2009). This alteration is predicted to be deleterious by in silico analysis. Based on insufficient or conflicting evidence, the clinical significance of this alteration remains unclear.